The following is an entry in ClinVar:

NM_001849.4(COL6A2):c.124G>A (p.Asp42Asn)

Gene: COL6A2 (collagen type VI alpha 2 chain; plus strand). Cytogenetic location: 21q22.3.
Variant type: single nucleotide variant.
Coding change: c.124G>A on transcript NM_001849.4 (MANE Select); coding-DNA position 124, G replaced by A.
Protein change: p.Asp42Asn; replaces aspartic acid 42 with asparagine.
Molecular consequence: missense variant.
Genome position (GRCh38, 1-based): chr21:46,111,987, G>A. VCF-style: chr21-46111987-G-A. GRCh37 (hg19) VCF-style: chr21-47531901-G-A.
Other names: c.124G>A, p.Asp42Asn (NM_058174.3, NM_058175.3); short protein forms D42N.
Identifiers: ClinVar variation 4873187 (VCV004873187.2).

ClinVar aggregate classification (germline): Uncertain significance (1 of 4 stars; one submission).

gnomAD v4.1: 13 of 1,611,734 alleles (0.00081%); highest among the groups gnomAD compares: African/African-American, 0.0053%; no homozygotes.

Submission:

CeGaT Center for Human Genetics Tuebingen
Classification: Uncertain significance. Last evaluated: 2026-06-01. Review status: criteria provided, single submitter. Criteria: CeGaT Center For Human Genetics Tuebingen Variant Classification Criteria Version 2. Collection method: clinical testing. Allele origin: germline. Affected: yes. Observed: 1 variant allele.
Comment: COL6A2: PM2, BP4